The following is an entry in ClinVar:

ClinVar aggregate classification (germline): Uncertain significance (1 of 4 stars; one submission).

Submission:

Labcorp Genetics (formerly Invitae), Labcorp
Classification: Uncertain significance. Last evaluated: 2024-10-18. Review status: criteria provided, single submitter. Criteria: Invitae Variant Classification Sherloc (09022015). Collection method: clinical testing. Allele origin: germline.
Comment: This sequence change replaces proline, which is neutral and non-polar, with arginine, which is basic and polar, at codon 56 of the C1QBP protein (p.Pro56Arg). This variant is not present in population databases (gnomAD no frequency). This variant has not been reported in the literature in individuals affected with C1QBP-related conditions. ClinVar contains an entry for this variant (Variation ID: 2045478). Invitae Evidence Modeling of protein sequence and biophysical properties (such as structural, functional, and spatial information, amino acid conservation, physicochemical variation, residue mobility, and thermodynamic stability) indicates that this missense variant is not expected to disrupt C1QBP protein function with a negative predictive value of 80%. In summary, the available evidence is currently insufficient to determine the role of this variant in disease. Therefore, it has been classified as a Variant of Uncertain Significance.

NM_001212.4(C1QBP):c.167C>G (p.Pro56Arg)

Gene: C1QBP (complement C1q binding protein; minus strand). Cytogenetic location: 17p13.2.
Variant type: single nucleotide variant.
Coding change: c.167C>G on transcript NM_001212.4 (MANE Select); coding-DNA position 167, C replaced by G.
Protein change: p.Pro56Arg; replaces proline 56 with arginine.
Molecular consequence: missense variant.
Genome position (GRCh38, 1-based): chr17:5,438,907, G>C on the plus strand (C>G on the coding strand, the complement: C1QBP is on the minus strand). VCF-style: chr17-5438907-G-C. GRCh37 (hg19) VCF-style: chr17-5342227-G-C.
Other names: short protein forms P56R.
Identifiers: ClinVar variation 2045478 (VCV002045478.4), dbSNP rs1464051797, ClinGen allele CA397373943.